The following is an entry in ClinVar:

NM_002633.3(PGM1):c.1464+15G>A

Gene: PGM1 (phosphoglucomutase 1; plus strand). Cytogenetic location: 1p31.3.
Variant type: single nucleotide variant.
Coding change: c.1464+15G>A on transcript NM_002633.3 (MANE Select); 15 bases into the intron after coding-DNA position 1464, G replaced by A.
Molecular consequence: intron variant.
Genome position (GRCh38, 1-based): chr1:63,651,867, G>A. VCF-style: chr1-63651867-G-A. GRCh37 (hg19) VCF-style: chr1-64117538-G-A.
Other names: c.873+15G>A (NM_001172819.2); c.1518+15G>A (NM_001172818.1).
Identifiers: ClinVar variation 511489 (VCV000511489.4), dbSNP rs748510501, ClinGen allele CA889845.

ClinVar aggregate classification (germline): Likely benign. Review status: criteria provided, multiple submitters, no conflicts (2 of 4 stars). 2 submissions from 2 submitters: Likely benign (2). Last evaluated 2023-12-15.

Conditions:
PGM1-congenital disorder of glycosylation. Also called: Congenital disorder of glycosylation type 1t; PHOSPHOGLUCOMUTASE 1 DEFICIENCY; PGM1 DEFICIENCY; GLYCOGEN STORAGE DISEASE XIV; GSD XIV; CDG It. Identifiers: Orphanet 319646, MedGen C2752015, MONDO:0013968, OMIM 614921.

Allele frequency attached by ClinVar (database versions not stated): gnomAD exomes 0.00002; TOPMed 0.00002.

Submissions (2):

Labcorp Genetics (formerly Invitae), Labcorp
Classification: Likely benign for PGM1-congenital disorder of glycosylation. Last evaluated: 2023-12-15. Review status: criteria provided, single submitter. Criteria: Invitae Variant Classification Sherloc (09022015). Collection method: clinical testing. Allele origin: germline.

GeneDx
Classification: Likely benign. Last evaluated: 2017-08-24. Review status: criteria provided, single submitter. Criteria: GeneDx Variant Classification (06012015). Collection method: clinical testing. Allele origin: germline. Affected: yes.
Comment: This variant is considered likely benign or benign based on one or more of the following criteria: it is a conservative change, it occurs at a poorly conserved position in the protein, it is predicted to be benign by multiple in silico algorithms, and/or has population frequency not consistent with disease.